The following is an entry in ClinVar:

ClinVar aggregate classification (germline): Likely benign (1 of 4 stars; one submission).

Submission:

CeGaT Center for Human Genetics Tuebingen
Classification: Likely benign. Last evaluated: 2025-05-01. Review status: criteria provided, single submitter. Criteria: CeGaT Center For Human Genetics Tuebingen Variant Classification Criteria Version 2. Collection method: clinical testing. Allele origin: germline. Affected: yes. Observed: 1 variant allele.
Comment: ABRAXAS1: BP4, BS1

NM_139076.3(ABRAXAS1):c.178+1990A>G

Gene: ABRAXAS1 (abraxas 1, BRCA1 A complex subunit; minus strand). Cytogenetic location: 4q21.23.
Variant type: single nucleotide variant.
Coding change: c.178+1990A>G on transcript NM_139076.3 (MANE Select); 1990 bases into the intron after coding-DNA position 178, A replaced by G.
Molecular consequence: intron variant.
Genome position (GRCh38, 1-based): chr4:83,480,164, T>C on the plus strand (A>G on the coding strand, the complement: ABRAXAS1 is on the minus strand). VCF-style: chr4-83480164-T-C. GRCh37 (hg19) VCF-style: chr4-84401317-T-C.
Other names: c.-83+1990A>G (NM_001345962.2).
Identifiers: ClinVar variation 3905460 (VCV003905460.10).